The following is an entry in ClinVar:

NM_020778.5(ALPK3):c.3409_3436del (p.Pro1137fs)

Gene: ALPK3 (alpha kinase 3; plus strand). Cytogenetic location: 15q25.3.
Variant type: Deletion.
Coding change: c.3409_3436del on transcript NM_020778.5 (MANE Select); coding-DNA positions 3409 to 3436, 28 bases deleted (CCCTCCCAAGAGGAGAAGTTCCCAGGGG).
Protein change: p.Pro1137fs; shifts the reading frame from proline 1137.
Molecular consequence: frameshift variant.
Genome position (GRCh38, 1-based): chr15:84,858,147-84,858,174, CCCTCCCAAGAGGAGAAGTTCCCAGGGG deleted; deleting any 28 consecutive bases within chr15:84,858,146-84,858,174 gives the same sequence; the c. name uses the placement nearest the transcript's 3' end. VCF-style (leftmost placement, unchanged base first): chr15-84858145-AGCCCTCCCAAGAGGAGAAGTTCCCAGGG-A. GRCh37 (hg19) VCF-style: chr15-85401376-AGCCCTCCCAAGAGGAGAAGTTCCCAGGG-A.
Other names: short protein forms P1137fs.
Identifiers: ClinVar variation 2572382 (VCV002572382.4), dbSNP rs1225518851, ClinGen allele CA619855270.

ClinVar aggregate classification (germline): Pathogenic (1 of 4 stars; one submission).

Conditions:
Cardiomyopathy, familial hypertrophic 27. Identifiers: MedGen C4748014, MONDO:0054838, OMIM 618052.

Submission:

3billion
Classification: Pathogenic for Cardiomyopathy, familial hypertrophic 27. Last evaluated: 2026-01-30. Review status: criteria provided, single submitter. Criteria: ACMG Guidelines, 2015. Collection method: clinical testing. Allele origin: germline. Affected: yes.
Comment: The variant is observed at an extremely low frequency in the gnomAD v4.1.0 dataset (total allele frequency: <0.001%). Predicted Consequence/Location: Frameshift: predicted to result in a loss or disruption of normal protein function through nonsense-mediated decay (NMD) or protein truncation. Multiple pathogenic variants are reported downstream of the variant. The variant has been reported to be associated with ALPK3-related disorder (ClinVar ID: VCV002572382 /3billion dataset). Therefore, this variant is classified as Pathogenic according to the recommendation of ACMG/AMP guideline.